The following is an entry in ClinVar:

NM_139076.3(ABRAXAS1):c.183T>G (p.Ile61Met)

Gene: ABRAXAS1 (abraxas 1, BRCA1 A complex subunit; minus strand). Cytogenetic location: 4q21.23.
Variant type: single nucleotide variant.
Coding change: c.183T>G on transcript NM_139076.3 (MANE Select); coding-DNA position 183, T replaced by G.
Protein change: p.Ile61Met; replaces isoleucine 61 with methionine.
Molecular consequence: missense variant. On other transcripts: 5 prime UTR variant (1).
Genome position (GRCh38, 1-based): chr4:83,476,675, A>C on the plus strand (T>G on the coding strand, the complement: ABRAXAS1 is on the minus strand). VCF-style: chr4-83476675-A-C. GRCh37 (hg19) VCF-style: chr4-84397828-A-C.
Other names: c.-78T>G (NM_001345962.2); short protein forms I61M.
Identifiers: ClinVar variation 1799998 (VCV001799998.3), dbSNP rs2529452331, ClinGen allele CA357261608.

ClinVar aggregate classification (germline): Uncertain significance (1 of 4 stars; one submission).

Submission:

Ambry Genetics
Classification: Uncertain significance. Last evaluated: 2024-06-08. Review status: criteria provided, single submitter. Criteria: Ambry Variant Classification Scheme 2023. Collection method: clinical testing. Allele origin: germline.
Comment: The p.I61M variant (also known as c.183T>G), located in coding exon 3 of the FAM175A gene, results from a T to G substitution at nucleotide position 183. The isoleucine at codon 61 is replaced by methionine, an amino acid with highly similar properties. This amino acid position is conserved. In addition, the in silico prediction for this alteration is inconclusive. Since supporting evidence is limited at this time, the clinical significance of this alteration remains unclear.